The following is an entry in ClinVar:

NM_002834.5(PTPN11):c.1464T>G (p.Ile488Met)

Gene: PTPN11 (protein tyrosine phosphatase non-receptor type 11; plus strand). Cytogenetic location: 12q24.13.
Variant type: single nucleotide variant.
Coding change: c.1464T>G on transcript NM_002834.5 (MANE Select); coding-DNA position 1464, T replaced by G.
Protein change: p.Ile488Met; replaces isoleucine 488 with methionine.
Molecular consequence: missense variant.
Genome position (GRCh38, 1-based): chr12:112,489,040, T>G. VCF-style: chr12-112489040-T-G. GRCh37 (hg19) VCF-style: chr12-112926844-T-G.
Other names: c.1476T>G, p.Ile492Met (NM_001330437.2); c.1461T>G, p.Ile487Met (NM_001374625.1); short protein forms I488M, I487M, I492M.
Identifiers: ClinVar variation 2086316 (VCV002086316.4), dbSNP rs2135916106, ClinGen allele CA386779710.

ClinVar aggregate classification (germline): Uncertain significance (1 of 4 stars; one submission).

Conditions:
RASopathy. Also called: rasopathies; Noonan spectrum disorder. Identifiers: Orphanet 536391, MedGen C5555857, MONDO:0021060.

Submission:

Labcorp Genetics (formerly Invitae), Labcorp
Classification: Uncertain significance for RASopathy. Last evaluated: 2023-01-25. Review status: criteria provided, single submitter. Criteria: Invitae Variant Classification Sherloc (09022015). Collection method: clinical testing. Allele origin: germline.
Comment: This sequence change replaces isoleucine, which is neutral and non-polar, with methionine, which is neutral and non-polar, at codon 488 of the PTPN11 protein (p.Ile488Met). This variant is not present in population databases (gnomAD no frequency). This variant has not been reported in the literature in individuals affected with PTPN11-related conditions. Advanced modeling of protein sequence and biophysical properties (such as structural, functional, and spatial information, amino acid conservation, physicochemical variation, residue mobility, and thermodynamic stability) performed at Invitae indicates that this missense variant is not expected to disrupt PTPN11 protein function. In summary, the available evidence is currently insufficient to determine the role of this variant in disease. Therefore, it has been classified as a Variant of Uncertain Significance.